The following is an entry in ClinVar:

NM_001379500.1(COL18A1):c.3405C>T (p.Pro1135=)

Genes: COL18A1 (collagen type XVIII alpha 1 chain; plus strand), SLC19A1 (solute carrier family 19 member 1; minus strand). Cytogenetic location: 21q22.3.
Variant type: single nucleotide variant.
Coding change: c.3405C>T on transcript NM_001379500.1 (MANE Select); coding-DNA position 3405, C replaced by T.
Protein change: p.Pro1135=; no amino-acid change (proline 1135 retained).
Molecular consequence: synonymous variant.
Genome position (GRCh38, 1-based): chr21:45,509,511, C>T. VCF-style: chr21-45509511-C-T. GRCh37 (hg19) VCF-style: chr21-46929425-C-T.
Other names: c.3936C>T, p.Pro1312= (NM_030582.4); c.4641C>T, p.Pro1547= (NM_130444.3); c.3936C>T (NM_030582.3).
Identifiers: ClinVar variation 1590972 (VCV001590972.11), dbSNP rs1156468067, ClinGen allele CA512687588.

ClinVar aggregate classification (germline): Likely benign. Review status: criteria provided, multiple submitters, no conflicts (2 of 4 stars). 3 submissions from 3 submitters: Likely benign (2). 1 of the submissions does not count toward it. Last evaluated 2024-10-15.

Conditions:
COL18A1-related disorder. Also called: COL18A1-related disorders; COL18A1-related condition.

Allele frequency attached by ClinVar (database versions not stated): gnomAD exomes 0.00001; TOPMed 0.00001; gnomAD 0.00002.
gnomAD v4.1: 21 of 1,532,386 alleles (0.0014%); highest among the groups gnomAD compares: East Asian, 0.012%; no homozygotes.

Submissions (3):

Labcorp Genetics (formerly Invitae), Labcorp
Classification: Likely benign. Last evaluated: 2024-10-15. Review status: criteria provided, single submitter. Criteria: Invitae Variant Classification Sherloc (09022015). Collection method: clinical testing. Allele origin: germline.

Blueprint Genetics
Classification: Likely benign. Last evaluated: 2024-07-19. Review status: criteria provided, single submitter. Criteria: ACMG Guidelines, 2015. Collection method: clinical testing. Allele origin: germline.

PreventionGenetics, part of Exact Sciences
Classification: Likely benign for COL18A1-related condition. Last evaluated: 2022-12-08. Review status: no assertion criteria provided. Collection method: clinical testing. Allele origin: germline. Not counted in ClinVar's aggregate classification.
Comment: This variant is classified as likely benign based on ACMG/AMP sequence variant interpretation guidelines (Richards et al. 2015 PMID: 25741868, with internal and published modifications).